The following is an entry in ClinVar:

NM_016816.4(OAS1):c.53A>G (p.Asp18Gly)

Genes: OAS1 (2'-5'-oligoadenylate synthetase 1; plus strand), LOC130008812 (ATAC-STARR-seq lymphoblastoid active region 7052; plus strand). Cytogenetic location: 12q24.13.
Variant type: single nucleotide variant.
Coding change: c.53A>G on transcript NM_016816.4 (MANE Select); coding-DNA position 53, A replaced by G.
Protein change: p.Asp18Gly; replaces aspartic acid 18 with glycine.
Molecular consequence: missense variant.
Genome position (GRCh38, 1-based): chr12:112,907,092, A>G. VCF-style: chr12-112907092-A-G. GRCh37 (hg19) VCF-style: chr12-113344897-A-G.
Other names: c.53A>G (NM_001032409.2); c.53A>G, p.Asp18Gly (NM_001032409.3, NM_001320151.2, NM_001406020.1 and 11 more transcripts); short protein forms D18G.
Identifiers: ClinVar variation 2169099 (VCV002169099.6), dbSNP rs373546690, ClinGen allele CA6799668.

ClinVar aggregate classification (germline): Benign. Review status: criteria provided, single submitter (1 of 4 stars). 2 submissions from 2 submitters: Benign (1). 1 of the submissions does not count toward it. Last evaluated 2025-07-31.

Conditions:
OAS1-related disorder. Also called: OAS1-related condition.

Allele frequency attached by ClinVar (database versions not stated): gnomAD exomes 0.00001; ExAC 0.00003; gnomAD 0.00005; TOPMed 0.00005; ESP Exome Variant Server 0.00015.
gnomAD v4.1: 27 of 1,614,104 alleles (0.0017%); highest among the groups gnomAD compares: African/African-American, 0.027%; no homozygotes.

Submissions (2):

Labcorp Genetics (formerly Invitae), Labcorp
Classification: Benign. Last evaluated: 2025-07-31. Review status: criteria provided, single submitter. Criteria: Invitae Variant Classification Sherloc (09022015). Collection method: clinical testing. Allele origin: germline.

PreventionGenetics, part of Exact Sciences
Classification: Uncertain significance for OAS1-related condition. Last evaluated: 2024-02-26. Review status: no assertion criteria provided. Collection method: clinical testing. Allele origin: germline. Not counted in ClinVar's aggregate classification.
Comment: The OAS1 c.53A>G variant is predicted to result in the amino acid substitution p.Asp18Gly. To our knowledge, this variant has not been reported in the literature. This variant is reported in 0.024% of alleles in individuals of African descent in gnomAD. At this time, the clinical significance of this variant is uncertain due to the absence of conclusive functional and genetic evidence.